The following is an entry in ClinVar:

NM_001170700.3(DTHD1):c.1219-8C>G

Gene: DTHD1 (death domain containing 1; plus strand). Cytogenetic location: 4p14.
Variant type: single nucleotide variant.
Coding change: c.1219-8C>G on transcript NM_001170700.3 (MANE Select); 8 bases into the intron before coding-DNA position 1219, C replaced by G.
Molecular consequence: intron variant.
Genome position (GRCh38, 1-based): chr4:36,293,518, C>G. VCF-style: chr4-36293518-C-G. GRCh37 (hg19) VCF-style: chr4-36295140-C-G.
Other names: c.349-8C>G (NM_001136536.5); c.349-71C>G (NM_001378435.1).
Identifiers: ClinVar variation 850626 (VCV000850626.11), dbSNP rs1756206132, ClinGen allele CA916082641.

ClinVar aggregate classification (germline): Uncertain significance (1 of 4 stars; one submission).

Submission:

Labcorp Genetics (formerly Invitae), Labcorp
Classification: Uncertain significance. Last evaluated: 2023-07-03. Review status: criteria provided, single submitter. Criteria: Invitae Variant Classification Sherloc (09022015). Collection method: clinical testing. Allele origin: germline.
Comment: Algorithms developed to predict the effect of sequence changes on RNA splicing suggest that this variant may disrupt the consensus splice site. In summary, the available evidence is currently insufficient to determine the role of this variant in disease. Therefore, it has been classified as a Variant of Uncertain Significance. ClinVar contains an entry for this variant (Variation ID: 850626). This sequence change falls in intron 2 of the DTHD1 gene. It does not directly change the encoded amino acid sequence of the DTHD1 protein. This variant is not present in population databases (gnomAD no frequency). This variant has not been reported in the literature in individuals affected with DTHD1-related conditions.